The following is an entry in ClinVar:

NM_000465.4(BARD1):c.1037A>T (p.Asp346Val)

Gene: BARD1 (BRCA1 associated RING domain 1; minus strand). Cytogenetic location: 2q35.
Variant type: single nucleotide variant.
Coding change: c.1037A>T on transcript NM_000465.4 (MANE Select); coding-DNA position 1037, A replaced by T.
Protein change: p.Asp346Val; replaces aspartic acid 346 with valine.
Molecular consequence: missense variant. On other transcripts: non-coding transcript variant (2), intron variant (3).
Genome position (GRCh38, 1-based): chr2:214,780,837, T>A on the plus strand (A>T on the coding strand, the complement: BARD1 is on the minus strand). VCF-style: chr2-214780837-T-A. GRCh37 (hg19) VCF-style: chr2-215645561-T-A.
Other names: c.980A>T, p.Asp327Val (NM_001282543.2); c.159-28282A>T (NM_001282548.2); c.215+16224A>T (NM_001282545.2); c.364+11460A>T (NM_001282549.2); short protein forms D327V, D346V.
Identifiers: ClinVar variation 935388 (VCV000935388.13), dbSNP rs1694968313, ClinGen allele CA350454229.

ClinVar aggregate classification (germline): Uncertain significance. Review status: criteria provided, multiple submitters, no conflicts (2 of 4 stars). 2 submissions from 2 submitters: Uncertain significance (2). Last evaluated 2024-01-25.

Conditions:
Hereditary cancer-predisposing syndrome. Also called: Tumor predisposition; Hereditary neoplastic syndrome; Hereditary Cancer Syndrome; Neoplastic Syndromes, Hereditary. Identifiers: Orphanet 140162, MedGen C0027672, MeSH D009386, MONDO:0015356.
Familial cancer of breast. Also called: BREAST CANCER, FAMILIAL; Hereditary breast cancer; hereditary breast carcinoma. Identifiers: Orphanet 227535, MedGen C0346153, MONDO:0016419, OMIM 114480. Disease mechanism: loss of function.

Submissions (2):

Ambry Genetics
Classification: Uncertain significance for Hereditary cancer-predisposing syndrome. Last evaluated: 2024-01-25. Review status: criteria provided, single submitter. Criteria: Ambry Variant Classification Scheme 2023. Collection method: clinical testing. Allele origin: germline.
Comment: The p.D346V variant (also known as c.1037A>T), located in coding exon 4 of the BARD1 gene, results from an A to T substitution at nucleotide position 1037. The aspartic acid at codon 346 is replaced by valine, an amino acid with highly dissimilar properties. This amino acid position is conserved. In addition, this alteration is predicted to be tolerated by in silico analysis. Since supporting evidence is limited at this time, the clinical significance of this alteration remains unclear.

Labcorp Genetics (formerly Invitae), Labcorp
Classification: Uncertain significance for Familial cancer of breast. Last evaluated: 2022-10-05. Review status: criteria provided, single submitter. Criteria: Invitae Variant Classification Sherloc (09022015). Collection method: clinical testing. Allele origin: germline.
Comment: This sequence change replaces aspartic acid, which is acidic and polar, with valine, which is neutral and non-polar, at codon 346 of the BARD1 protein (p.Asp346Val). This variant is not present in population databases (gnomAD no frequency). This variant has not been reported in the literature in individuals affected with BARD1-related conditions. ClinVar contains an entry for this variant (Variation ID: 935388). Algorithms developed to predict the effect of missense changes on protein structure and function (SIFT, PolyPhen-2, Align-GVGD) all suggest that this variant is likely to be tolerated. In summary, the available evidence is currently insufficient to determine the role of this variant in disease. Therefore, it has been classified as a Variant of Uncertain Significance.